The following is an entry in ClinVar:

NM_007194.4(CHEK2):c.319+4del

Gene: CHEK2 (checkpoint kinase 2; minus strand). Cytogenetic location: 22q12.1.
Variant type: Deletion.
Coding change: c.319+4del on transcript NM_007194.4 (MANE Select); 4 bases into the intron after coding-DNA position 319, one base deleted (A; older notation c.319+4delA).
Molecular consequence: intron variant.
Genome position (GRCh38, 1-based): chr22:28,734,399, T deleted on the plus strand (A on the coding strand, the reverse complement: CHEK2 is on the minus strand); the first of 2 consecutive T bases (chr22:28,734,399-28,734,400); deleting either gives the same sequence. VCF-style (leftmost placement, unchanged base first): chr22-28734398-CT-C. GRCh37 (hg19) VCF-style: chr22-29130386-CT-C.
Other names: c.-345+7370del (NM_001437942.1); c.319+4del (NM_001349956.3, NM_145862.3, NM_001438295.1 and 3 more transcripts); c.-459+4del (NM_001257387.3).
Identifiers: ClinVar variation 4002253 (VCV004002253.1).
Genomic context (GRCh38, chr22:28,734,398, plus strand): 5'-GTAATACAACTTTCTGTAAGTGTTTTTCTGAACAAAACGTGATACTATACAACAAAGGGT[CT>C]TACCAAGATTGGCAAATCCATCCTGAAGGGCCCATAATCGAGCCCAGGGGGCAGGGGTAG-3'

ClinVar aggregate classification (germline): Uncertain significance (1 of 4 stars; one submission).

Conditions:
Hereditary cancer-predisposing syndrome. Also called: Tumor predisposition; Hereditary neoplastic syndrome; Neoplastic Syndromes, Hereditary; Hereditary Cancer Syndrome. Identifiers: Orphanet 140162, MedGen C0027672, MeSH D009386, MONDO:0015356.

Submission:

Ambry Genetics
Classification: Uncertain significance for Hereditary cancer-predisposing syndrome. Last evaluated: 2025-04-16. Review status: criteria provided, single submitter. Criteria: Ambry Variant Classification Scheme 2023. Collection method: clinical testing. Allele origin: germline.
Comment: The c.319+4delA intronic variant, located in intron 1 of the CHEK2 gene, results from a deletion of one nucleotide within intron 1 of the CHEK2 gene. This nucleotide position is highly conserved in available vertebrate species. In silico splice site analysis predicts that this alteration may weaken the native splice donor site; however, direct evidence is insufficient at this time (Ambry internal data). One minigene splicing analysis reported that this variant resulted in 100% aberrant splicing as assayed in a breast adenocarcinoma cell line (Sanoguera-Miralles L et al. Clin Chem, 2024 Jan;70:319-338). Based on the available evidence, the clinical significance of this variant remains unclear.

Literature cited by the submitters: PubMed 37725924.